The following is an entry in ClinVar:

ClinVar aggregate classification (germline): Pathogenic (1 of 4 stars; one submission).

Conditions:
Familial melanoma. Also called: Hereditary melanoma; Hereditary cutaneous melanoma. Identifiers: Orphanet 618, MedGen C1512419, MONDO:0018961.

Submission:

Labcorp Genetics (formerly Invitae), Labcorp
Classification: Pathogenic for Familial melanoma. Last evaluated: 2020-10-21. Review status: criteria provided, single submitter. Criteria: Invitae Variant Classification Sherloc (09022015). Collection method: clinical testing. Allele origin: germline.
Comment: This variant has not been reported in the literature in individuals with CDKN2A (p16INK4a)-related conditions. This sequence change creates a premature translational stop signal (p.Ser12Argfs*14) in the CDKN2A (p16INK4a) gene. It is expected to result in an absent or disrupted protein product. This variant is not present in population databases (ExAC no frequency). Loss-of-function variants in CDKN2A (p16INK4a) are known to be pathogenic (PMID: 15146471, 16905682). For these reasons, this variant has been classified as Pathogenic.

Literature cited by the submitters: PubMed 15146471; PubMed 16905682.

NM_000077.5(CDKN2A):c.34del (p.Ser12fs)

Gene: CDKN2A (cyclin dependent kinase inhibitor 2A; minus strand). Cytogenetic location: 9p21.3.
Variant type: Deletion.
Coding change: c.34del on transcript NM_000077.5; coding-DNA position 34, one base deleted (T; older notation c.34delT).
Protein change: p.Ser12fs; shifts the reading frame from serine 12.
Molecular consequence: frameshift variant (on NM_000077.6). On other transcripts: intron variant (2).
Genome position (GRCh38, 1-based): chr9:21,974,794, A deleted on the plus strand (T on the coding strand, the reverse complement: CDKN2A is on the minus strand); the first of 2 consecutive A bases (chr9:21,974,794-21,974,795); deleting either gives the same sequence. VCF-style (leftmost placement, unchanged base first): chr9-21974793-GA-G. GRCh37 (hg19) VCF-style: chr9-21974792-GA-G.
Other names: c.33delT, p.Ser12Argfs (NM_000077.6); c.34del, p.Ser12fs (NM_001195132.2, NM_058197.5); c.-3-3586del (NM_001363763.2); c.194-3586del (NM_058195.4); short protein forms S12fs.
Identifiers: ClinVar variation 1068946 (VCV001068946.9), dbSNP rs2131113797, ClinGen allele CA464100200.